The following is an entry in ClinVar:

ClinVar aggregate classification (germline): Uncertain significance. Review status: criteria provided, multiple submitters, no conflicts (2 of 4 stars). 3 submissions from 3 submitters: Uncertain significance (3). Last evaluated 2025-06-05.

Conditions:
Facial dysmorphism-immunodeficiency-livedo-short stature syndrome. Also called: FILS syndrome; Facial dysmorphism, immunodeficiency, livedo, and short stature. Identifiers: Orphanet 352712, MedGen C3554576, MONDO:0014058, OMIM 615139.
Colorectal cancer, susceptibility to, 12 (CRCS12). Also called: COLORECTAL CANCER, SUSCEPTIBILITY TO, ON CHROMOSOME 12q24. Identifiers: Orphanet 220460, MedGen C3554460, MONDO:0014038, OMIM 615083.
Intrauterine growth retardation, metaphyseal dysplasia, adrenal hypoplasia congenita, genital anomalies, and immunodeficiency. Also called: IMAGEI SYNDROME. Identifiers: MedGen C5193036, MONDO:0032684, OMIM 618336.
Hereditary cancer-predisposing syndrome. Also called: Neoplastic Syndromes, Hereditary; Tumor predisposition; Hereditary neoplastic syndrome; Hereditary Cancer Syndrome. Identifiers: Orphanet 140162, MedGen C0027672, MeSH D009386, MONDO:0015356.

Allele frequency attached by ClinVar (database versions not stated): gnomAD exomes below 0.00001.
gnomAD v4.1: 1 of 1,611,724 alleles (0.000062%); highest among the groups gnomAD compares: East Asian, 0.0022%; no homozygotes.

Submissions (3):

Ambry Genetics
Classification: Uncertain significance for Hereditary cancer-predisposing syndrome. Last evaluated: 2025-06-05. Review status: criteria provided, single submitter. Criteria: Ambry Variant Classification Scheme 2023. Collection method: clinical testing. Allele origin: germline.
Comment: The c.5378+4C>T intronic variant results from a C to T substitution 4 nucleotides after coding exon 39 in the POLE gene. This nucleotide position is not well conserved in available vertebrate species. In silico splice site analysis predicts that this alteration will not have any significant effect on splicing. Based on the available evidence, the clinical significance of this variant remains unclear.

Fulgent Genetics
Classification: Uncertain significance for Colorectal cancer, susceptibility to, 12; Facial dysmorphism-immunodeficiency-livedo-short stature syndrome; Intrauterine growth retardation, metaphyseal dysplasia, adrenal hypoplasia congenita, genital anomalies, and immunodeficiency. Last evaluated: 2024-04-25. Review status: criteria provided, single submitter. Criteria: ACMG Guidelines, 2015. Collection method: clinical testing. Allele origin: germline.

Labcorp Genetics (formerly Invitae), Labcorp
Classification: Uncertain significance. Last evaluated: 2023-09-04. Review status: criteria provided, single submitter. Criteria: Invitae Variant Classification Sherloc (09022015). Collection method: clinical testing. Allele origin: germline.
Comment: Variants that disrupt the consensus splice site are a relatively common cause of aberrant splicing (PMID: 17576681, 9536098). Algorithms developed to predict the effect of sequence changes on RNA splicing suggest that this variant is not likely to affect RNA splicing. This sequence change falls in intron 39 of the POLE gene. It does not directly change the encoded amino acid sequence of the POLE protein. It affects a nucleotide within the consensus splice site. This variant is not present in population databases (gnomAD no frequency). This variant has not been reported in the literature in individuals affected with POLE-related conditions. ClinVar contains an entry for this variant (Variation ID: 1387797). In summary, the available evidence is currently insufficient to determine the role of this variant in disease. Therefore, it has been classified as a Variant of Uncertain Significance.

Literature cited by the submitters: PubMed 17576681 (cited by Labcorp Genetics (formerly Invitae), Labcorp); PubMed 9536098 (cited by Labcorp Genetics (formerly Invitae), Labcorp).

NM_006231.4(POLE):c.5378+4C>T

Gene: POLE (DNA polymerase epsilon, catalytic subunit; minus strand). Cytogenetic location: 12q24.33.
Variant type: single nucleotide variant.
Coding change: c.5378+4C>T on transcript NM_006231.4 (MANE Select); 4 bases into the intron after coding-DNA position 5378, C replaced by T.
Molecular consequence: intron variant.
Genome position (GRCh38, 1-based): chr12:132,641,643, G>A on the plus strand (C>T on the coding strand, the complement: POLE is on the minus strand). VCF-style: chr12-132641643-G-A. GRCh37 (hg19) VCF-style: chr12-133218229-G-A.
Other names: c.5378+4C>T (NM_006231.2).
Identifiers: ClinVar variation 1387797 (VCV001387797.8), dbSNP rs1565935556, ClinGen allele CA2072985858.
Genomic context (GRCh38, chr12:132,641,643, plus strand): 5'-CCAAATTAAGGGCAAAGGATAAGACCCTTCTATTAGTAACACTCCTTCCCAGAGAGGGTG[G>A]CACCTGAAGGTGTTAGAGCACAGGGCTGTCTCATCGTAGCTGGCCGGGGCACTGGCAGCC-3'